The following is an entry in ClinVar:

ClinVar aggregate classification (germline): Uncertain significance. Review status: criteria provided, multiple submitters, no conflicts (2 of 4 stars). 2 submissions from 2 submitters: Uncertain significance (2). Last evaluated 2024-09-03.

Conditions:
Hereditary cancer-predisposing syndrome. Also called: Tumor predisposition; Hereditary neoplastic syndrome; Neoplastic Syndromes, Hereditary; Hereditary Cancer Syndrome. Identifiers: Orphanet 140162, MedGen C0027672, MeSH D009386, MONDO:0015356.
Fanconi anemia (FA). Also called: Fanconi's anemia. Identifiers: Orphanet 84, MedGen C0015625, MeSH D005199, MONDO:0019391.

Submissions (2):

Labcorp Genetics (formerly Invitae), Labcorp
Classification: Uncertain significance for Fanconi anemia. Last evaluated: 2024-09-03. Review status: criteria provided, single submitter. Criteria: Invitae Variant Classification Sherloc (09022015). Collection method: clinical testing. Allele origin: germline.
Comment: This sequence change replaces glycine, which is neutral and non-polar, with aspartic acid, which is acidic and polar, at codon 389 of the FANCC protein (p.Gly389Asp). This variant is not present in population databases (gnomAD no frequency). This variant has not been reported in the literature in individuals affected with FANCC-related conditions. ClinVar contains an entry for this variant (Variation ID: 960912). Invitae Evidence Modeling of protein sequence and biophysical properties (such as structural, functional, and spatial information, amino acid conservation, physicochemical variation, residue mobility, and thermodynamic stability) indicates that this missense variant is not expected to disrupt FANCC protein function with a negative predictive value of 80%. In summary, the available evidence is currently insufficient to determine the role of this variant in disease. Therefore, it has been classified as a Variant of Uncertain Significance.

Ambry Genetics
Classification: Uncertain significance for Hereditary cancer-predisposing syndrome. Last evaluated: 2023-09-23. Review status: criteria provided, single submitter. Criteria: Ambry Variant Classification Scheme 2023. Collection method: clinical testing. Allele origin: germline.
Comment: The p.G389D variant (also known as c.1166G>A), located in coding exon 12 of the FANCC gene, results from a G to A substitution at nucleotide position 1166. The glycine at codon 389 is replaced by aspartic acid, an amino acid with similar properties. This amino acid position is conserved. In addition, this alteration is predicted to be tolerated by in silico analysis. Since supporting evidence is limited at this time, the clinical significance of this alteration remains unclear.

NM_000136.3(FANCC):c.1166G>A (p.Gly389Asp)

Genes: AOPEP (aminopeptidase O (putative); plus strand), FANCC (FA complementation group C; minus strand). Cytogenetic location: 9q22.32.
Variant type: single nucleotide variant.
Coding change: c.1166G>A on transcript NM_000136.3 (MANE Select); coding-DNA position 1166, G replaced by A.
Protein change: p.Gly389Asp; replaces glycine 389 with aspartic acid.
Molecular consequence: missense variant.
Genome position (GRCh38, 1-based): chr9:95,111,626, C>T on the plus strand (G>A on the coding strand, the complement: FANCC is on the minus strand). VCF-style: chr9-95111626-C-T. GRCh37 (hg19) VCF-style: chr9-97873908-C-T.
Other names: c.1166G>A, p.Gly389Asp (NM_001243743.2, NM_001243744.2); short protein forms G389D.
Identifiers: ClinVar variation 960912 (VCV000960912.10), dbSNP rs2071942181, ClinGen allele CA374107565.
Genomic context (GRCh38, chr9:95,111,626, plus strand): 5'-TCTGCCACCATCTCAGCCCATCCTCCGAAGTGAATGAACAGGAACCAGCTCTCAAAGGGA[C>T]CTCCGCAGGACCTGGAACAGAGGCAGAACACATGGCAGTTGACAACCTAAATTCTTCTTC-3'
Protein context (NP_000127.2, residues 379-399): VEDQTHGSCG[Gly389Asp]PFESWFLFIH